The following is an entry in ClinVar:

NM_030632.3(ASXL3):c.2342C>T (p.Pro781Leu)

Gene: ASXL3 (ASXL transcriptional regulator 3; plus strand). Cytogenetic location: 18q12.1.
Variant type: single nucleotide variant.
Coding change: c.2342C>T on transcript NM_030632.3 (MANE Select); coding-DNA position 2342, C replaced by T.
Protein change: p.Pro781Leu; replaces proline 781 with leucine.
Molecular consequence: missense variant.
Genome position (GRCh38, 1-based): chr18:33,739,746, C>T. VCF-style: chr18-33739746-C-T. GRCh37 (hg19) VCF-style: chr18-31319710-C-T.
Other names: c.2342C>T (NM_030632.2); short protein forms P781L.
Identifiers: ClinVar variation 210369 (VCV000210369.12), dbSNP rs201776257, ClinGen allele CA206044.
Genomic context (GRCh38, chr18:33,739,746, plus strand): 5'-ATGAGAGAATGGCACATCAGCAAAGAAAGTCACCTTCTGTATCTGAAGAGCCACTCTCCC[C>T]GCAGAAAGATGAGTCTTCCGCCACTGCCAAACCTCTGGGAGAGAACCTTACCTCCCAGCA-3'
Protein context (NP_085135.1, residues 771-791): SPSVSEEPLS[Pro781Leu]QKDESSATAK

ClinVar aggregate classification (germline): Conflicting classifications of pathogenicity. Review status: criteria provided, conflicting classifications (1 of 4 stars). 5 submissions from 5 submitters: Uncertain significance (1); Likely benign (3). 1 of the submissions does not count toward it. Last evaluated 2024-11-19.

Conditions:
ASXL3-related disorder. Also called: ASXL3-related condition. Identifiers: MedGen CN381524.
Inborn genetic diseases. Identifiers: MedGen C0950123, MeSH D030342.

Allele frequency attached by ClinVar (database versions not stated): gnomAD exomes 0.00023 and 0.00029; ExAC 0.00028; gnomAD 0.00029 and 0.00030; ESP Exome Variant Server 0.00033; TOPMed 0.00047.
gnomAD v4.1: 484 of 1,613,658 alleles (0.03%); highest among the groups gnomAD compares: Middle Eastern, 0.099%; no homozygotes.

Submissions (5):

Blueprint Genetics
Classification: Likely benign. Last evaluated: 2024-11-19. Review status: criteria provided, single submitter. Criteria: ACMG Guidelines, 2015. Collection method: clinical testing. Allele origin: germline.

Ambry Genetics
Classification: Likely benign for Inborn genetic diseases. Last evaluated: 2024-08-23. Review status: criteria provided, single submitter. Criteria: Ambry Variant Classification Scheme 2023. Collection method: clinical testing. Allele origin: germline.

GeneDx
Classification: Likely benign. Last evaluated: 2020-11-08. Review status: criteria provided, single submitter. Criteria: GeneDx Variant Classification Process June 2021. Collection method: clinical testing. Allele origin: germline. Affected: yes.

Genetic Services Laboratory, University of Chicago
Classification: Uncertain significance. Last evaluated: 2015-05-26. Review status: criteria provided, single submitter. Criteria: ACMG Guidelines, 2015. Collection method: clinical testing. Allele origin: germline.

PreventionGenetics, part of Exact Sciences
Classification: Uncertain significance for ASXL3-related condition. Last evaluated: 2023-12-08. Review status: no assertion criteria provided. Collection method: clinical testing. Allele origin: germline. Not counted in ClinVar's aggregate classification.
Comment: The ASXL3 c.2342C>T variant is predicted to result in the amino acid substitution p.Pro781Leu. To our knowledge, this variant has not been reported in the literature. This variant is reported in 0.037% of alleles in individuals of European (Non-Finnish) descent in gnomAD. Although we suspect this variant may be benign, at this time, the clinical significance of this variant is uncertain due to the absence of conclusive functional and genetic evidence.